The following is an entry in ClinVar:

ClinVar aggregate classification (germline): Uncertain significance. Review status: criteria provided, multiple submitters, no conflicts (2 of 4 stars). 3 submissions from 3 submitters: Uncertain significance (3). Last evaluated 2025-12-09.

Conditions:
Jalili syndrome. Also called: CONE-ROD DYSTROPHY AND AMELOGENESIS IMPERFECTA. Identifiers: Orphanet 1873, MedGen C3495589, MONDO:0009007, OMIM 217080.
Inborn genetic diseases. Identifiers: MedGen C0950123, MeSH D030342.

Allele frequency attached by ClinVar (database versions not stated): ExAC 0.00001; gnomAD exomes 0.00002; gnomAD 0.00004.
gnomAD v4.1: 18 of 1,614,076 alleles (0.0011%); highest among the groups gnomAD compares: Admixed American, 0.022%; no homozygotes.

Submissions (3):

Ambry Genetics
Classification: Uncertain significance for Inborn genetic diseases. Last evaluated: 2025-12-09. Review status: criteria provided, single submitter. Criteria: Ambry Variant Classification Scheme 2023. Collection method: clinical testing. Allele origin: germline.

Labcorp Genetics (formerly Invitae), Labcorp
Classification: Uncertain significance. Last evaluated: 2024-10-15. Review status: criteria provided, single submitter. Criteria: Invitae Variant Classification Sherloc (09022015). Collection method: clinical testing. Allele origin: germline.
Comment: This sequence change replaces leucine, which is neutral and non-polar, with valine, which is neutral and non-polar, at codon 438 of the CNNM4 protein (p.Leu438Val). This variant is present in population databases (rs774130429, gnomAD 0.01%). This variant has not been reported in the literature in individuals affected with CNNM4-related conditions. ClinVar contains an entry for this variant (Variation ID: 895048). Invitae Evidence Modeling of protein sequence and biophysical properties (such as structural, functional, and spatial information, amino acid conservation, physicochemical variation, residue mobility, and thermodynamic stability) indicates that this missense variant is not expected to disrupt CNNM4 protein function with a negative predictive value of 80%. In summary, the available evidence is currently insufficient to determine the role of this variant in disease. Therefore, it has been classified as a Variant of Uncertain Significance.

Illumina Laboratory Services, Illumina
Classification: Uncertain significance for Jalili syndrome. Last evaluated: 2018-01-15. Review status: criteria provided, single submitter. Criteria: ICSL Variant Classification Criteria 13 December 2019. Collection method: clinical testing. Allele origin: germline.

NM_020184.4(CNNM4):c.1312C>G (p.Leu438Val)

Gene: CNNM4 (cyclin and CBS domain divalent metal cation transport mediator 4; plus strand). Cytogenetic location: 2q11.2.
Variant type: single nucleotide variant.
Coding change: c.1312C>G on transcript NM_020184.4 (MANE Select); coding-DNA position 1312, C replaced by G.
Protein change: p.Leu438Val; replaces leucine 438 with valine.
Molecular consequence: missense variant.
Genome position (GRCh38, 1-based): chr2:96,762,311, C>G. VCF-style: chr2-96762311-C-G. GRCh37 (hg19) VCF-style: chr2-97428048-C-G.
Other names: short protein forms L438V.
Identifiers: ClinVar variation 895048 (VCV000895048.11), dbSNP rs774130429, ClinGen allele CA1783325.